The following is an entry in ClinVar:

NM_001394062.1(MACF1):c.20830G>A (p.Asp6944Asn)

Gene: MACF1 (microtubule actin crosslinking factor 1; plus strand). Cytogenetic location: 1p34.3.
Variant type: single nucleotide variant.
Coding change: c.20830G>A on transcript NM_001394062.1 (MANE Select); coding-DNA position 20830, G replaced by A.
Protein change: p.Asp6944Asn; replaces aspartic acid 6944 with asparagine.
Molecular consequence: missense variant.
Genome position (GRCh38, 1-based): chr1:39,453,794, G>A. VCF-style: chr1-39453794-G-A. GRCh37 (hg19) VCF-style: chr1-39919466-G-A.
Other names: c.8908G>A, p.Asp2970Asn (NM_001397473.1); c.14653G>A, p.Asp4885Asn (NM_012090.5); c.14653G>A (NM_012090.4); short protein forms D4885N, D2970N, D6944N.
Identifiers: ClinVar variation 1975897 (VCV001975897.6), dbSNP rs769550602, ClinGen allele CA784478.

ClinVar aggregate classification (germline): Conflicting classifications of pathogenicity. Review status: criteria provided, conflicting classifications (1 of 4 stars). 2 submissions from 2 submitters: Uncertain significance (1); Likely benign (1). Last evaluated 2024-08-20.

Conditions:
Inborn genetic diseases. Identifiers: MedGen C0950123, MeSH D030342.

Allele frequency attached by ClinVar (database versions not stated): ExAC 0.00001; gnomAD 0.00001; TOPMed 0.00002.
gnomAD v4.1: 10 of 1,614,046 alleles (0.00062%); highest among the groups gnomAD compares: African/African-American, 0.004%; no homozygotes.

Submissions (2):

Ambry Genetics
Classification: Likely benign for Inborn genetic diseases. Last evaluated: 2024-08-20. Review status: criteria provided, single submitter. Criteria: Ambry Variant Classification Scheme 2023. Collection method: clinical testing. Allele origin: germline.

Labcorp Genetics (formerly Invitae), Labcorp
Classification: Uncertain significance. Last evaluated: 2022-10-01. Review status: criteria provided, single submitter. Criteria: Invitae Variant Classification Sherloc (09022015). Collection method: clinical testing. Allele origin: germline.
Comment: In summary, the available evidence is currently insufficient to determine the role of this variant in disease. Therefore, it has been classified as a Variant of Uncertain Significance. Algorithms developed to predict the effect of missense changes on protein structure and function are either unavailable or do not agree on the potential impact of this missense change (SIFT: "Deleterious"; PolyPhen-2: "Probably Damaging"; Align-GVGD: "Class C0"). This variant has not been reported in the literature in individuals affected with MACF1-related conditions. This variant is present in population databases (rs769550602, gnomAD 0.008%). This sequence change replaces aspartic acid, which is acidic and polar, with asparagine, which is neutral and polar, at codon 4885 of the MACF1 protein (p.Asp4885Asn).